The following is an entry in ClinVar:

ClinVar aggregate classification (germline): Benign/Likely benign. Review status: criteria provided, multiple submitters, no conflicts (2 of 4 stars). 3 submissions from 3 submitters: Benign (1); Likely benign (2). Last evaluated 2025-04-17.

Conditions:
Hereditary cancer-predisposing syndrome. Also called: Neoplastic Syndromes, Hereditary; Tumor predisposition; Hereditary Cancer Syndrome; Hereditary neoplastic syndrome. Identifiers: Orphanet 140162, MedGen C0027672, MeSH D009386, MONDO:0015356.
Familial cancer of breast. Also called: BREAST CANCER, FAMILIAL; hereditary breast carcinoma; Hereditary breast cancer. Identifiers: Orphanet 227535, MedGen C0346153, MONDO:0016419, OMIM 114480. Disease mechanism: loss of function.

Allele frequency attached by ClinVar (database versions not stated): gnomAD exomes below 0.00001; TOPMed below 0.00001; ExAC 0.00001; gnomAD 0.00001.
gnomAD v4.1: 1 of 1,613,866 alleles (0.000062%); highest among the groups gnomAD compares: Non-Finnish European, 0.000085%; no homozygotes.

Submissions (3):

Labcorp Genetics (formerly Invitae), Labcorp
Classification: Likely benign for Familial cancer of breast. Last evaluated: 2025-04-17. Review status: criteria provided, single submitter. Criteria: Invitae Variant Classification Sherloc (09022015). Collection method: clinical testing. Allele origin: germline.

Myriad Genetics, Inc.
Classification: Benign for Familial cancer of breast. Last evaluated: 2024-07-23. Review status: criteria provided, single submitter. Criteria: Myriad Autosomal Dominant, Autosomal Recessive and X-Linked Classification Criteria (2023). Collection method: clinical testing. Allele origin: unknown.
Comment: This variant is considered benign. This variant is a silent/synonymous amino acid change and it is not expected to impact splicing.

Ambry Genetics
Classification: Likely benign for Hereditary cancer-predisposing syndrome. Last evaluated: 2015-05-12. Review status: criteria provided, single submitter. Criteria: Ambry Variant Classification Scheme 2023. Collection method: clinical testing. Allele origin: germline.

NM_000465.4(BARD1):c.954T>C (p.Asn318=)

Gene: BARD1 (BRCA1 associated RING domain 1; minus strand). Cytogenetic location: 2q35.
Variant type: single nucleotide variant.
Coding change: c.954T>C on transcript NM_000465.4 (MANE Select); coding-DNA position 954, T replaced by C.
Protein change: p.Asn318=; no amino-acid change (asparagine 318 retained).
Molecular consequence: synonymous variant. On other transcripts: non-coding transcript variant (2), intron variant (3).
Genome position (GRCh38, 1-based): chr2:214,780,920, A>G on the plus strand (T>C on the coding strand, the complement: BARD1 is on the minus strand). VCF-style: chr2-214780920-A-G. GRCh37 (hg19) VCF-style: chr2-215645644-A-G.
Other names: c.897T>C, p.Asn299= (NM_001282543.2); c.159-28365T>C (NM_001282548.2); c.215+16141T>C (NM_001282545.2); c.364+11377T>C (NM_001282549.2).
Identifiers: ClinVar variation 231844 (VCV000231844.18), dbSNP rs771502065, ClinGen allele CA2090358.